The following is an entry in ClinVar:

NM_032830.3(UTP4):c.1788C>T (p.Ile596=)

Gene: UTP4 (UTP4 small subunit processome component). Cytogenetic location: 16q22.1.
Variant type: single nucleotide variant.
Coding change: c.1788C>T on transcript NM_032830.3 (MANE Select); coding-DNA position 1788, C replaced by T.
Protein change: p.Ile596=; no amino-acid change (isoleucine 596 retained).
Molecular consequence: synonymous variant.
Genome position (GRCh38, 1-based): chr16:69,165,481, C>T. VCF-style: chr16-69165481-C-T. GRCh37 (hg19) VCF-style: chr16-69199384-C-T.
Other names: c.1539C>T, p.Ile513= (NM_001318391.2).
Identifiers: ClinVar variation 725987 (VCV000725987.12), dbSNP rs75998507, ClinGen allele CA8132538.

ClinVar aggregate classification (germline): Benign/Likely benign. Review status: criteria provided, multiple submitters, no conflicts (2 of 4 stars). 3 submissions from 3 submitters: Benign (2); Likely benign (1). Last evaluated 2025-03-04.

Conditions:
Hereditary North American Indian childhood cirrhosis. Identifiers: Orphanet 168583, MedGen C1858051, MONDO:0011497, OMIM 604901.

Allele frequency attached by ClinVar (database versions not stated): gnomAD exomes 0.00049 and 0.00174; gnomAD 0.00051 and 0.00076; TOPMed 0.00095; ExAC 0.00165; 1000 Genomes Project 30x 0.00515; 1000 Genomes Project 0.00539.
gnomAD v4.1: 901 of 1,614,140 alleles (0.056%); highest among the groups gnomAD compares: East Asian, 1.6%; 15 homozygotes.

Submissions (3):

Labcorp Genetics (formerly Invitae), Labcorp
Classification: Benign. Last evaluated: 2025-03-04. Review status: criteria provided, single submitter. Criteria: Invitae Variant Classification Sherloc (09022015). Collection method: clinical testing. Allele origin: germline.

Blueprint Genetics
Classification: Likely benign. Last evaluated: 2024-11-07. Review status: criteria provided, single submitter. Criteria: ACMG Guidelines, 2015. Collection method: clinical testing. Allele origin: germline.

Illumina Laboratory Services, Illumina
Classification: Benign for Hereditary North American Indian childhood cirrhosis. Last evaluated: 2018-01-12. Review status: criteria provided, single submitter. Criteria: ICSL Variant Classification Criteria 13 December 2019. Collection method: clinical testing. Allele origin: germline.
Comment: This variant was observed in the ICSL laboratory as part of a predisposition screen in an ostensibly healthy population. It had not been previously curated by ICSL or reported in the Human Gene Mutation Database (HGMD: prior to June 1st, 2018), and was therefore a candidate for classification through an automated scoring system. Utilizing variant allele frequency, disease prevalence and penetrance estimates, and inheritance mode, an automated score was calculated to assess if this variant is too frequent to cause the disease. Based on the score and internal cut-off values, a variant classified as benign is not then subjected to further curation. The score for this variant resulted in a classification of benign for this disease.